The following is an entry in ClinVar:

NM_001148.6(ANK2):c.1881+9C>A

Gene: ANK2 (ankyrin 2; plus strand). Cytogenetic location: 4q26.
Variant type: single nucleotide variant.
Coding change: c.1881+9C>A on transcript NM_001148.6 (MANE Select); 9 bases into the intron after coding-DNA position 1881, C replaced by A.
Molecular consequence: intron variant.
Genome position (GRCh38, 1-based): chr4:113,278,567, C>A. VCF-style: chr4-113278567-C-A. GRCh37 (hg19) VCF-style: chr4-114199723-C-A.
Other names: c.1869+9C>A (NM_001386186.2, NM_001386148.2); c.1671+9C>A (NM_001354269.3); c.1845+9C>A (NM_001386187.2); c.1839+9C>A (NM_001386147.1, NM_001386160.1, NM_001354261.2); c.1818+9C>A (NM_001354254.2, NM_001354239.2, NM_001354252.2 and 10 more transcripts); c.1719+632C>A (NM_001354253.2, NM_001354270.2, NM_001354257.2 and 1 more transcripts); c.1794+9C>A (NM_001354249.2, NM_001354266.2, NM_001354276.2 and 10 more transcripts); c.1695+632C>A (NM_001386151.1, NM_001354260.2, NM_001354271.2); and 8 more.
Identifiers: ClinVar variation 699967 (VCV000699967.9), dbSNP rs200659747, ClinGen allele CA3050395.

ClinVar aggregate classification (germline): Benign. Review status: criteria provided, single submitter (1 of 4 stars). 2 submissions from 2 submitters: Benign (1). 1 of the submissions does not count toward it. Last evaluated 2025-01-15.

Conditions:
ANK2-related disorder. Also called: ANK2-related condition.
Long QT syndrome (LQTS). Identifiers: MedGen C0023976, MeSH D008133, MONDO:0002442. Disease mechanism: loss of function. Inheritance: Various modes of inheritance.

Allele frequency attached by ClinVar (database versions not stated): TOPMed 0.00002; gnomAD 0.00003; 1000 Genomes Project 30x 0.00016.
gnomAD v4.1: 25 of 1,612,756 alleles (0.0016%); highest among the groups gnomAD compares: East Asian, 0.051%; no homozygotes.

Submissions (2):

Labcorp Genetics (formerly Invitae), Labcorp
Classification: Benign for Long QT syndrome. Last evaluated: 2025-01-15. Review status: criteria provided, single submitter. Criteria: Invitae Variant Classification Sherloc (09022015). Collection method: clinical testing. Allele origin: germline.

PreventionGenetics, part of Exact Sciences
Classification: Likely benign for ANK2-related condition. Last evaluated: 2019-08-09. Review status: no assertion criteria provided. Collection method: clinical testing. Allele origin: germline. Not counted in ClinVar's aggregate classification.
Comment: This variant is classified as likely benign based on ACMG/AMP sequence variant interpretation guidelines (Richards et al. 2015 PMID: 25741868, with internal and published modifications).